The following is an entry in ClinVar:

NM_004360.5(CDH1):c.2486C>T (p.Ser829Phe)

Gene: CDH1 (cadherin 1; plus strand). Cytogenetic location: 16q22.1.
Variant type: single nucleotide variant.
Coding change: c.2486C>T on transcript NM_004360.5 (MANE Select); coding-DNA position 2486, C replaced by T.
Protein change: p.Ser829Phe; replaces serine 829 with phenylalanine.
Molecular consequence: missense variant.
Genome position (GRCh38, 1-based): chr16:68,833,336, C>T. VCF-style: chr16-68833336-C-T. GRCh37 (hg19) VCF-style: chr16-68867239-C-T.
Other names: c.2303C>T, p.Ser768Phe (NM_001317184.2); c.938C>T, p.Ser313Phe (NM_001317185.2); c.521C>T, p.Ser174Phe (NM_001317186.2); short protein forms S174F, S313F, S768F, S829F.
Identifiers: ClinVar variation 1442898 (VCV001442898.8), dbSNP rs864622310, ClinGen allele CA396472114.
Genomic context (GRCh38, chr16:68,833,336, plus strand): 5'-CCCTTCTTCTTTAGAATCTGAAAGCGGCTGATACTGACCCCACAGCCCCGCCTTATGATT[C>T]TCTGCTCGTGTTTGACTATGAAGGAAGCGGTTCCGAAGCTGCTAGTCTGAGCTCCCTGAA-3'
Protein context (NP_004351.1, residues 819-839): DTDPTAPPYD[Ser829Phe]LLVFDYEGSG

ClinVar aggregate classification (germline): Uncertain significance (1 of 4 stars; one submission).

Conditions:
Hereditary diffuse gastric adenocarcinoma (HDGC). Also called: DIFFUSE GASTRIC AND LOBULAR BREAST CANCER SYNDROME. Identifiers: Orphanet 26106, MedGen C1708349, MONDO:0007648, OMIM 137215.

Submission:

Labcorp Genetics (formerly Invitae), Labcorp
Classification: Uncertain significance for Hereditary diffuse gastric adenocarcinoma. Last evaluated: 2022-10-28. Review status: criteria provided, single submitter. Criteria: Invitae Variant Classification Sherloc (09022015). Collection method: clinical testing. Allele origin: germline.
Comment: Algorithms developed to predict the effect of missense changes on protein structure and function are either unavailable or do not agree on the potential impact of this missense change (SIFT: "Deleterious"; PolyPhen-2: "Probably Damaging"; Align-GVGD: "Class C15"). In summary, the available evidence is currently insufficient to determine the role of this variant in disease. Therefore, it has been classified as a Variant of Uncertain Significance. This sequence change replaces serine, which is neutral and polar, with phenylalanine, which is neutral and non-polar, at codon 829 of the CDH1 protein (p.Ser829Phe). This variant is not present in population databases (gnomAD no frequency). This variant has not been reported in the literature in individuals affected with CDH1-related conditions. ClinVar contains an entry for this variant (Variation ID: 1442898).